The following is an entry in ClinVar:

ClinVar aggregate classification (germline): Likely benign. Review status: criteria provided, multiple submitters, no conflicts (2 of 4 stars). 2 submissions from 2 submitters: Likely benign (2). Last evaluated 2025-04-14.

Conditions:
PCNT-related disorder. Also called: PCNT-related condition.

Allele frequency attached by ClinVar (database versions not stated): TOPMed below 0.00001.

Submissions (2):

PreventionGenetics, part of Exact Sciences
Classification: Likely benign for PCNT-related condition. Last evaluated: 2025-04-14. Review status: criteria provided, single submitter. Criteria: ACMG Guidelines, 2015. Collection method: clinical testing. Allele origin: germline.
Comment: This variant is classified as likely benign based on ACMG/AMP sequence variant interpretation guidelines (Richards et al. 2015 PMID: 25741868, with internal and published modifications).

Labcorp Genetics (formerly Invitae), Labcorp
Classification: Likely benign. Last evaluated: 2023-07-25. Review status: criteria provided, single submitter. Criteria: Invitae Variant Classification Sherloc (09022015). Collection method: clinical testing. Allele origin: germline.

NM_006031.6(PCNT):c.2460C>A (p.Arg820=)

Gene: PCNT (pericentrin; plus strand). Cytogenetic location: 21q22.3.
Variant type: single nucleotide variant.
Coding change: c.2460C>A on transcript NM_006031.6 (MANE Select); coding-DNA position 2460, C replaced by A.
Protein change: p.Arg820=; no amino-acid change (arginine 820 retained).
Molecular consequence: synonymous variant.
Genome position (GRCh38, 1-based): chr21:46,363,785, C>A. VCF-style: chr21-46363785-C-A. GRCh37 (hg19) VCF-style: chr21-47783700-C-A.
Other names: c.2460C>A (NM_006031.5); c.2106C>A, p.Arg702= (NM_001315529.2).
Identifiers: ClinVar variation 2746649 (VCV002746649.4), dbSNP rs2084800831, ClinGen allele CA513173257.